The following is an entry in ClinVar:

NM_000834.5(GRIN2B):c.3497C>G (p.Ser1166Cys)

Gene: GRIN2B (glutamate ionotropic receptor NMDA type subunit 2B; minus strand). Cytogenetic location: 12p13.1.
Variant type: single nucleotide variant.
Coding change: c.3497C>G on transcript NM_000834.5 (MANE Select); coding-DNA position 3497, C replaced by G.
Protein change: p.Ser1166Cys; replaces serine 1166 with cysteine.
Molecular consequence: missense variant.
Genome position (GRCh38, 1-based): chr12:13,563,741, G>C on the plus strand (C>G on the coding strand, the complement: GRIN2B is on the minus strand). VCF-style: chr12-13563741-G-C. GRCh37 (hg19) VCF-style: chr12-13716675-G-C.
Other names: c.3497C>G (NM_000834.3); c.3497C>G, p.Ser1166Cys (NM_001413992.1); short protein forms S1166C.
Identifiers: ClinVar variation 2162134 (VCV002162134.6), dbSNP rs866581841, ClinGen allele CA383988997.

ClinVar aggregate classification (germline): Conflicting classifications of pathogenicity. Review status: criteria provided, conflicting classifications (1 of 4 stars). 3 submissions from 3 submitters: Uncertain significance (2); Benign (1). Last evaluated 2024-05-04.

Conditions:
Developmental and epileptic encephalopathy, 27 (DEE27). Also called: GRIN2B-Related Neurodevelopmental Disorder; Epileptic encephalopathy, early infantile, 27. Identifiers: Orphanet 3451, MedGen C4015316, MONDO:0014505, OMIM 616139.
Intellectual developmental disorder, autosomal dominant 6, with or without seizures. Also called: Intellectual disability, autosomal dominant 6; GRIN2B-related developmental delay, intellectual disability and autism spectrum disorder. Identifiers: Orphanet 589547, MedGen C3151411, MONDO:0013509, OMIM 613970.
Inborn genetic diseases. Identifiers: MedGen C0950123, MeSH D030342.

Allele frequency attached by ClinVar (database versions not stated): gnomAD 0.00001; gnomAD exomes 0.00001; TOPMed 0.00001.
gnomAD v4.1: 11 of 1,613,824 alleles (0.00068%); highest among the groups gnomAD compares: Non-Finnish European, 0.00093%; no homozygotes.

Submissions (3):

GeneDx
Classification: Uncertain significance. Last evaluated: 2024-05-04. Review status: criteria provided, single submitter. Criteria: GeneDx Variant Classification Process June 2021. Collection method: clinical testing. Allele origin: germline. Affected: yes.
Comment: Not observed at significant frequency in large population cohorts (gnomAD); In silico analysis supports that this missense variant has a deleterious effect on protein structure/function; Has not been previously published as pathogenic or benign to our knowledge

Labcorp Genetics (formerly Invitae), Labcorp
Classification: Benign for Developmental and epileptic encephalopathy, 27; Intellectual developmental disorder, autosomal dominant 6, with or without seizures. Last evaluated: 2024-01-17. Review status: criteria provided, single submitter. Criteria: Invitae Variant Classification Sherloc (09022015). Collection method: clinical testing. Allele origin: germline.

Ambry Genetics
Classification: Uncertain significance for Inborn genetic diseases. Last evaluated: 2021-07-21. Review status: criteria provided, single submitter. Criteria: Ambry Variant Classification Scheme 2023. Collection method: clinical testing. Allele origin: germline.